The following is an entry in ClinVar:

NM_001283009.2(RTEL1):c.289G>A (p.Gly97Arg)

Genes: RTEL1 (regulator of telomere elongation helicase 1; plus strand), RTEL1-TNFRSF6B (RTEL1-TNFRSF6B readthrough (NMD candidate); plus strand). Cytogenetic location: 20q13.33.
Variant type: single nucleotide variant.
Coding change: c.289G>A on transcript NM_001283009.2 (MANE Select); coding-DNA position 289, G replaced by A.
Protein change: p.Gly97Arg; replaces glycine 97 with arginine.
Molecular consequence: missense variant. On other transcripts: non-coding transcript variant (1), 5 prime UTR variant (1).
Genome position (GRCh38, 1-based): chr20:63,661,484, G>A. VCF-style: chr20-63661484-G-A. GRCh37 (hg19) VCF-style: chr20-62292837-G-A.
Other names: c.289G>A, p.Gly97Arg (NM_016434.4, NM_032957.5); c.-381G>A (NM_001283010.1); short protein forms G97R.
Identifiers: ClinVar variation 4629515 (VCV004629515.1).

ClinVar aggregate classification (germline): Uncertain significance (1 of 4 stars; one submission).

Conditions:
Inborn genetic diseases. Identifiers: MedGen C0950123, MeSH D030342.

gnomAD v4.1: 1 of 1,611,154 alleles (0.000062%); highest among the groups gnomAD compares: Non-Finnish European, 0.000085%; no homozygotes.

Submission:

Ambry Genetics
Classification: Uncertain significance for Inborn genetic diseases. Last evaluated: 2025-09-26. Review status: criteria provided, single submitter. Criteria: Ambry Variant Classification Scheme 2023. Collection method: clinical testing. Allele origin: germline.
Comment: The p.G97R variant (also known as c.289G>A), located in coding exon 2 of the RTEL1 gene, results from a G to A substitution at nucleotide position 289. The glycine at codon 97 is replaced by arginine, an amino acid with dissimilar properties. This amino acid position is conserved. In addition, this alteration is predicted to be tolerated by in silico analysis. Based on the available evidence, the clinical significance of this variant remains unclear.